The following is an entry in ClinVar:

NM_000260.4(MYO7A):c.1007G>A (p.Arg336His)

Gene: MYO7A (myosin VIIA; plus strand). Cytogenetic location: 11q13.5.
Variant type: single nucleotide variant.
Coding change: c.1007G>A on transcript NM_000260.4 (MANE Select); coding-DNA position 1007, G replaced by A.
Protein change: p.Arg336His; replaces arginine 336 with histidine.
Molecular consequence: missense variant.
Genome position (GRCh38, 1-based): chr11:77,159,450, G>A. VCF-style: chr11-77159450-G-A. GRCh37 (hg19) VCF-style: chr11-76870496-G-A.
Other names: NM_000260.3(MYO7A):c.1007G>A(p.Arg336His); NM_000260.3(MYO7A):c.1007G>A; c.1007G>A, p.Arg336His (NM_001127180.2); c.974G>A, p.Arg325His (NM_001369365.1); short protein forms R336H, R325H.
Identifiers: ClinVar variation 43134 (VCV000043134.51), dbSNP rs45629132, ClinGen allele CA132194.
Genomic context (GRCh38, chr11:77,159,450, plus strand): 5'-CCTTGCCCCTGTTGCCCACCCTCCCTCCCCTGATGCTGTGCCCCTTGCTGCCAACAGCAC[G>A]CACATTTGAAAACCTGGATGCCTGTGAGGTTCTCTTCTCCCCATCGCTGGCCACAGCTGC-3'
Protein context (NP_000251.3, residues 326-346): LHLGNLQYEA[Arg336His]TFENLDACEV

ClinVar aggregate classification (germline): Likely benign. Review status: reviewed by expert panel (3 of 4 stars). 17 submissions from 15 submitters: Likely benign (1). 16 of the submissions do not count toward it. Last evaluated 2024-11-20.

Conditions:
MYO7A-related disorder. Also called: MYO7A-related disorders.
Usher syndrome. Also called: Usher Syndromes; Usher's syndrome. Identifiers: Orphanet 886, MedGen CN469326, MeSH D052245, MONDO:0019501. Disease mechanism: loss of function.
Meniere disease. Also called: Ménière's disease. Identifiers: MedGen C0025281, MONDO:0007972, OMIM 156000.
Autosomal recessive nonsyndromic hearing loss 2. Also called: DEAFNESS, AUTOSOMAL RECESSIVE 2; NEUROSENSORY NONSYNDROMIC RECESSIVE DEAFNESS 2. Identifiers: Orphanet 90636, MedGen C1838701, MONDO:0010807, OMIM 600060.
Autosomal dominant nonsyndromic hearing loss 11. Identifiers: Orphanet 90635, MedGen C1832475, MONDO:0011032, OMIM 601317.
Usher syndrome type 1 (USH1). Also called: RETINITIS PIGMENTOSA AND CONGENITAL DEAFNESS. Identifiers: Orphanet 231169, Orphanet 886, MedGen C1568247, MONDO:0010168, OMIM 276900.
Usher syndrome type 1B (USH1B). Also called: Usher syndrome type IB. Identifiers: MedGen C1848638, MONDO:0700087.

Allele frequency attached by ClinVar (database versions not stated): gnomAD exomes 0.00116 and 0.00237; 1000 Genomes Project 0.00120; TOPMed 0.00125; ExAC 0.00115; 1000 Genomes Project 30x 0.00141; gnomAD 0.00164; ESP Exome Variant Server 0.00147.
gnomAD v4.1: 3,032 of 1,334,368 alleles (0.23%); highest among the groups gnomAD compares: Non-Finnish European, 0.29%; 4 homozygotes.

Submissions (17):

ClinGen Hearing Loss Variant Curation Expert Panel
Classification: Likely benign for Usher syndrome. Last evaluated: 2024-11-20. Review status: reviewed by expert panel. Criteria: Clingen Hl Acmg Specifications Cdh23 Coch Gjb2 Kcnq4 Myo6 Myo7a Slc26a4 Tecta Ush2a V2. Collection method: curation. Allele origin: germline. Inheritance: Autosomal recessive inheritance.
Comment: The c.1007G>A (p.Arg336His) variant in MYO7A is a missense variant predicted to cause a substitution of arginine by histidine at amino acid 336. The highest population minor allele frequency in gnomAD v4.1.0 is 0.00286 (2854/996858) in the non-Finnish European population, including 4 homozygous individuals, at least two of whom were beyond the average age of onset for MYO7A-related Usher syndrome. This frequency is higher than would be expected for an autosomal recessive condition based on the thresholds defined by the ClinGen Hearing Loss Expert Panel (BS1_Supporting). This variant has been reported in individuals with nonsyndromic, mild-moderate hearing loss in whom a second variant was not detected (PMID: 23804846) as well as an individual with Usher syndrome but lacking a second variant (PMID: 16470552). A patient with Usher syndrome was homozygous for both p.Arg336His and a likely pathogenic/pathogenic variant (BP2; PMID: 33363762, ClinVar IDs: 551533). The REVEL computational prediction tool produced a score of 0.734, which is above the threshold necessary to apply PP3. However, after discussion the expert panel decided not to apply PP3 based upon case level and frequency data. In summary, this variant meets criteria to be classified as likely benign for both Usher syndrome and nonsyndromic hearing loss. ACMG/AMP criteria applied, as specified by the Hearing Loss Expert Panel: BS1_Supporting, BP2. (ClinGen Hearing Loss VCEP specifications version 2; 11.20.2024).

CeGaT Center for Human Genetics Tuebingen
Classification: Likely benign. Last evaluated: 2026-09-01. Review status: criteria provided, single submitter. Criteria: CeGaT Center For Human Genetics Tuebingen Variant Classification Criteria Version 2. Collection method: clinical testing. Allele origin: germline. Affected: yes. Observed: 2 variant alleles. Not counted in ClinVar's aggregate classification.
Comment: MYO7A: BP2, BS2

Labcorp Genetics (formerly Invitae), Labcorp
Classification: Likely benign. Last evaluated: 2026-02-04. Review status: criteria provided, single submitter. Criteria: Invitae Variant Classification Sherloc (09022015). Collection method: clinical testing. Allele origin: germline. Not counted in ClinVar's aggregate classification.

Blueprint Genetics
Classification: Likely benign. Last evaluated: 2024-11-22. Review status: criteria provided, single submitter. Criteria: ACMG Guidelines, 2015. Collection method: clinical testing. Allele origin: germline. Not counted in ClinVar's aggregate classification.

Myriad Genetics, Inc.
Classification: Uncertain significance for Usher syndrome type 1. Last evaluated: 2021-11-04. Review status: criteria provided, single submitter. Criteria: Myriad Women's Health Autosomal Recessive and X-Linked Classification Criteria (2021). Collection method: clinical testing. Allele origin: unknown. Not counted in ClinVar's aggregate classification.
Comment: NM_000260.3(MYO7A):c.1007G>A(R336H) is a missense variant classified as a variant of uncertain significance in the context of MYO7A-related disorders. R336H has been observed in cases with relevant disease (PMID: 23804846, 16470552, 33363762). Functional assessments of this variant are not available in the literature. R336H has been observed in population frequency databases (gnomAD: NFE 0.22%). In summary, there is insufficient evidence to classify NM_000260.3(MYO7A):c.1007G>A(R336H) as pathogenic or benign. Please note: this variant was assessed in the context of healthy population screening.

Institute for Clinical Genetics, University Hospital TU Dresden, University Hospital TU Dresden
Classification: Uncertain significance. Last evaluated: 2021-11-03. Review status: criteria provided, single submitter. Criteria: ACMG Guidelines, 2015. Collection method: clinical testing. Allele origin: germline. Not counted in ClinVar's aggregate classification.

Otology & Neurotology- Genomics of vestibular disorders (CTS-495), Jose Antonio López Escámez, Centro Pfizer - Universidad de Granada - Junta de Andalucía de Genómica e Investigación Oncológica (GENYO)
Classification: Uncertain significance for Meniere disease. Last evaluated: 2020-12-14. Review status: criteria provided, single submitter. Criteria: ACMG Guidelines, 2015. Collection method: case-control. Allele origin: germline. Affected: yes. Observed: 6 heterozygotes. Clinical features observed: Sensorineural hearing loss (HP:0000407), Vertigo (HP:0002321), Tinnitus (HP:0000360). Not counted in ClinVar's aggregate classification.

GeneDx
Classification: Likely benign. Last evaluated: 2020-08-10. Review status: criteria provided, single submitter. Criteria: GeneDx Variant Classification Process June 2021. Collection method: clinical testing. Allele origin: germline. Affected: yes. Not counted in ClinVar's aggregate classification.
Comment: This variant is associated with the following publications: (PMID: 30311386, 30245029, 15221449, 16470552, 25262649)

Centre for Mendelian Genomics, University Medical Centre Ljubljana
Classification: Uncertain significance for Autosomal dominant nonsyndromic hearing loss 11. Last evaluated: 2019-09-24. Review status: criteria provided, single submitter. Criteria: ACMG Guidelines, 2015. Collection method: clinical testing. Allele origin: unknown. Affected: yes. Not counted in ClinVar's aggregate classification.
Comment: This variant was classified as: Uncertain significance. The available evidence on this variant's pathogenicity is insufficient or conflicting. The following ACMG criteria were applied in classifying this variant: PM1,PP3.

Fulgent Genetics
Classification: Uncertain significance for Usher syndrome type 1; Autosomal recessive nonsyndromic hearing loss 2; Autosomal dominant nonsyndromic hearing loss 11. Last evaluated: 2018-10-31. Review status: criteria provided, single submitter. Criteria: ACMG Guidelines, 2015. Collection method: clinical testing. Allele origin: unknown. Not counted in ClinVar's aggregate classification.

Illumina Laboratory Services, Illumina
Classification: Likely benign for Autosomal dominant nonsyndromic hearing loss 11. Last evaluated: 2017-04-27. Review status: criteria provided, single submitter. Criteria: ICSL Variant Classification Criteria 13 December 2019. Collection method: clinical testing. Allele origin: germline. Not counted in ClinVar's aggregate classification.
Comment: This variant was observed as part of a predisposition screen in an ostensibly healthy population. A literature search was performed for the gene, cDNA change, and amino acid change (where applicable). Publications were found based on this search. The evidence from the literature, in combination with allele frequency data from public databases where available, was sufficient to determine this variant is unlikely to cause disease. Therefore, this variant is classified as likely benign.

Illumina Laboratory Services, Illumina
Classification: Likely benign for Autosomal recessive nonsyndromic hearing loss 2. Last evaluated: 2017-04-27. Review status: criteria provided, single submitter. Criteria: ICSL Variant Classification Criteria 13 December 2019. Collection method: clinical testing. Allele origin: germline. Not counted in ClinVar's aggregate classification.
Comment: the same text as in the submission from Illumina Laboratory Services, Illumina above.

Illumina Laboratory Services, Illumina
Classification: Likely benign for Usher syndrome type 1. Last evaluated: 2017-04-27. Review status: criteria provided, single submitter. Criteria: ICSL Variant Classification Criteria 13 December 2019. Collection method: clinical testing. Allele origin: germline. Not counted in ClinVar's aggregate classification.
Comment: the same text as in the submission from Illumina Laboratory Services, Illumina above.

Eurofins Ntd Llc (ga)
Classification: Likely benign. Last evaluated: 2016-03-02. Review status: criteria provided, single submitter. Criteria: EGL Classification Definitions 2015. Collection method: clinical testing. Allele origin: germline. Observed: 1 variant allele, 1 heterozygote. Not counted in ClinVar's aggregate classification.

Laboratory for Molecular Medicine, Mass General Brigham Personalized Medicine
Classification: Likely benign. Last evaluated: 2015-08-11. Review status: criteria provided, single submitter. Criteria: LMM Criteria. Collection method: clinical testing. Allele origin: germline. Observed: 11 variant alleles. Not counted in ClinVar's aggregate classification.
Comment: p.Arg336His in exon 10 of MYO7A: This variant is not expected to have clinical s ignificance because it has been identified in 0.2% (125/66438) of European chrom osomes including 1 homozygous individual by the Exome Aggregation Consortium (Ex AC; dbSNP rs45629132). This variant has been re ported in the literature; however, there is no evidence to support pathogenicity . It was identified in a family with autosomal dominant hearing loss but found n ot to segregate with disease and therefore assumed to be benign (Luijendijk 2004 ). It was also identified in the heterozygous state in a proband with Usher synd rome without a second variant (Jaijo 2006).

PreventionGenetics, part of Exact Sciences
Classification: Likely benign for MYO7A-related condition. Last evaluated: 2022-11-09. Review status: no assertion criteria provided. Collection method: clinical testing. Allele origin: germline. Not counted in ClinVar's aggregate classification.
Comment: This variant is classified as likely benign based on ACMG/AMP sequence variant interpretation guidelines (Richards et al. 2015 PMID: 25741868, with internal and published modifications).

Natera, Inc.
Classification: Likely benign for Usher syndrome type 1B. Last evaluated: 2020-04-16. Review status: no assertion criteria provided. Collection method: clinical testing. Allele origin: germline. Not counted in ClinVar's aggregate classification.

Literature cited by the submitters: PubMed 23804846 (cited by Myriad Genetics, Inc.); PubMed 33363762 (cited by Myriad Genetics, Inc.); PubMed 16470552 (cited by 3 submitters); PubMed 15221449 (cited by 3 submitters).